The following is an entry in ClinVar:

NM_001127464.1:c.1681C>G

Gene: ZNF469 (zinc finger protein 469; plus strand).
Variant type: single nucleotide variant.
Identifiers: ClinVar variation 4072480 (VCV004072480.1).

ClinVar aggregate classification (germline): Uncertain significance (1 of 4 stars; one submission).

Submission:

GeneDx
Classification: Uncertain significance. Last evaluated: 2025-02-04. Review status: criteria provided, single submitter. Criteria: GeneDx Variant Classification Process June 2021. Collection method: clinical testing. Allele origin: germline. Affected: yes.
Comment: Has not been previously published as pathogenic or benign to our knowledge; Not observed at significant frequency in large population cohorts (gnomAD); In silico analysis supports that this missense variant does not alter protein structure/function